The following is an entry in ClinVar:

NM_152383.5(DIS3L2):c.1835C>G (p.Pro612Arg)

Gene: DIS3L2 (DIS3 like 3'-5' exoribonuclease 2; plus strand). Cytogenetic location: 2q37.1.
Variant type: single nucleotide variant.
Coding change: c.1835C>G on transcript NM_152383.5 (MANE Select); coding-DNA position 1835, C replaced by G.
Protein change: p.Pro612Arg; replaces proline 612 with arginine.
Molecular consequence: missense variant. On other transcripts: non-coding transcript variant (2), intron variant (1).
Genome position (GRCh38, 1-based): chr2:232,329,908, C>G. VCF-style: chr2-232329908-C-G. GRCh37 (hg19) VCF-style: chr2-233194618-C-G.
Other names: c.1582-13437C>G (NM_001257281.2); short protein forms P612R.
Identifiers: ClinVar variation 2071393 (VCV002071393.4), dbSNP rs771703300, ClinGen allele CA350976116.
Genomic context (GRCh38, chr2:232,329,908, plus strand): 5'-CAGTGGCCCACAAGATCCACCGCGCCTTCCCCGAGCAGGCCCTGCTGCGCCGGCACCCCC[C>G]GCCCCAAACAAGGATGCTCAGTGACCTGGTGGAATTCTGCGACCAGATGGGGCTGCCCGT-3'
Protein context (NP_689596.4, residues 602-622): PEQALLRRHP[Pro612Arg]PQTRMLSDLV

ClinVar aggregate classification (germline): Uncertain significance (1 of 4 stars; one submission).

Conditions:
Perlman syndrome (PRLMNS). Identifiers: Orphanet 2849, MedGen C0796113, MONDO:0009965, OMIM 267000.

Submission:

Labcorp Genetics (formerly Invitae), Labcorp
Classification: Uncertain significance for Perlman syndrome. Last evaluated: 2023-08-11. Review status: criteria provided, single submitter. Criteria: Invitae Variant Classification Sherloc (09022015). Collection method: clinical testing. Allele origin: germline.
Comment: This variant is not present in population databases (gnomAD no frequency). In summary, the available evidence is currently insufficient to determine the role of this variant in disease. Therefore, it has been classified as a Variant of Uncertain Significance. Advanced modeling of protein sequence and biophysical properties (such as structural, functional, and spatial information, amino acid conservation, physicochemical variation, residue mobility, and thermodynamic stability) performed at Invitae indicates that this missense variant is not expected to disrupt DIS3L2 protein function. ClinVar contains an entry for this variant (Variation ID: 2071393). This variant has not been reported in the literature in individuals affected with DIS3L2-related conditions. This sequence change replaces proline, which is neutral and non-polar, with arginine, which is basic and polar, at codon 612 of the DIS3L2 protein (p.Pro612Arg).